The following is an entry in ClinVar:

ClinVar aggregate classification (germline): Likely benign. Review status: criteria provided, multiple submitters, no conflicts (2 of 4 stars). 2 submissions from 2 submitters: Likely benign (2). Last evaluated 2024-10-24.

Conditions:
Spastic ataxia 2. Also called: Ataxia, spastic, 2, autosomal recessive. Identifiers: Orphanet 397946, MedGen C1969796, MONDO:0012651, OMIM 611302.

Allele frequency attached by ClinVar (database versions not stated): ExAC 0.00002; TOPMed 0.00004; ESP Exome Variant Server 0.00015.
gnomAD v4.1: 7 of 1,613,982 alleles (0.00043%); highest among the groups gnomAD compares: African/African-American, 0.008%; no homozygotes.

Submissions (2):

Labcorp Genetics (formerly Invitae), Labcorp
Classification: Likely benign for Spastic ataxia 2. Last evaluated: 2024-10-24. Review status: criteria provided, single submitter. Criteria: Invitae Variant Classification Sherloc (09022015). Collection method: clinical testing. Allele origin: germline.

CeGaT Center for Human Genetics Tuebingen
Classification: Likely benign. Last evaluated: 2022-07-01. Review status: criteria provided, single submitter. Criteria: CeGaT Center For Human Genetics Tuebingen Variant Classification Criteria Version 2. Collection method: clinical testing. Allele origin: germline. Affected: yes. Observed: 1 variant allele.
Comment: KIF1C: BP4, BP7

NM_006612.6(KIF1C):c.2184C>A (p.Ile728=)

Gene: KIF1C (kinesin family member 1C; plus strand). Cytogenetic location: 17p13.2.
Variant type: single nucleotide variant.
Coding change: c.2184C>A on transcript NM_006612.6 (MANE Select); coding-DNA position 2184, C replaced by A.
Protein change: p.Ile728=; no amino-acid change (isoleucine 728 retained).
Molecular consequence: synonymous variant.
Genome position (GRCh38, 1-based): chr17:5,022,265, C>A. VCF-style: chr17-5022265-C-A. GRCh37 (hg19) VCF-style: chr17-4925560-C-A.
Identifiers: ClinVar variation 2058166 (VCV002058166.28), dbSNP rs369357478, ClinGen allele CA8319237.